The following is an entry in ClinVar:

ClinVar aggregate classification (germline): Benign. Review status: criteria provided, multiple submitters, no conflicts (2 of 4 stars). 3 submissions from 3 submitters: Benign (2). 1 of the submissions does not count toward it. Last evaluated 2021-12-09.

Conditions:
SF3B1-related disorder. Also called: SF3B1-related condition.

Allele frequency attached by ClinVar (database versions not stated): TOPMed 0.71969; 1000 Genomes Project 0.72065; 1000 Genomes Project 30x 0.72205; ESP Exome Variant Server 0.73935; ExAC 0.67248; gnomAD exomes 0.67595 and 0.65845; gnomAD 0.71197 and 0.71282.
gnomAD v4.1: 1,092,552 of 1,607,252 alleles (68%); highest among the groups gnomAD compares: Middle Eastern, 86%; 375,467 homozygotes.

Submissions (3):

GeneDx
Classification: Benign. Last evaluated: 2021-12-09. Review status: criteria provided, single submitter. Criteria: GeneDx Variant Classification Process June 2021. Collection method: clinical testing. Allele origin: germline. Affected: yes.

Breakthrough Genomics
Classification: Benign. Review status: criteria provided, single submitter. Criteria: ACMG Guidelines, 2015. Collection method: not provided. Allele origin: germline. Inheritance: Unknown mechanism. Affected: yes.

PreventionGenetics, part of Exact Sciences
Classification: Benign for SF3B1-related condition. Last evaluated: 2019-10-17. Review status: no assertion criteria provided. Collection method: clinical testing. Allele origin: germline. Not counted in ClinVar's aggregate classification.
Comment: This variant is classified as benign based on ACMG/AMP sequence variant interpretation guidelines (Richards et al. 2015 PMID: 25741868, with internal and published modifications).

NM_012433.4(SF3B1):c.423A>G (p.Lys141=)

Gene: SF3B1 (splicing factor 3b subunit 1; minus strand). Cytogenetic location: 2q33.1.
Variant type: single nucleotide variant.
Coding change: c.423A>G on transcript NM_012433.4 (MANE Select); coding-DNA position 423, A replaced by G.
Protein change: p.Lys141=; no amino-acid change (lysine 141 retained).
Molecular consequence: synonymous variant.
Genome position (GRCh38, 1-based): chr2:197,418,581, T>C on the plus strand (A>G on the coding strand, the complement: SF3B1 is on the minus strand). VCF-style: chr2-197418581-T-C. GRCh37 (hg19) VCF-style: chr2-198283305-T-C.
Other names: c.423A>G (NM_012433.3).
Identifiers: ClinVar variation 1327755 (VCV001327755.5), dbSNP rs788023, ClinGen allele CA2042918.